The following is an entry in ClinVar:

ClinVar aggregate classification (germline): Pathogenic/Likely pathogenic. Review status: criteria provided, multiple submitters, no conflicts (2 of 4 stars). 5 submissions from 5 submitters: Pathogenic (2); Likely pathogenic (2). 1 of the submissions does not count toward it. Last evaluated 2023-10-05.

Conditions:
MERTK-related disorder. Also called: MERTK-related condition.
Autosomal recessive retinitis pigmentosa. Identifiers: MedGen C0339526.
Retinitis pigmentosa 38 (RP38). Also called: ROD-CONE DYSTROPHY, CHILDHOOD-ONSET. Identifiers: Orphanet 791, MedGen C3151228, MONDO:0013469, OMIM 613862.

Submissions (5):

Labcorp Genetics (formerly Invitae), Labcorp
Classification: Pathogenic. Last evaluated: 2023-10-05. Review status: criteria provided, single submitter. Criteria: Invitae Variant Classification Sherloc (09022015). Collection method: clinical testing. Allele origin: germline.
Comment: This sequence change creates a premature translational stop signal (p.Glu434Alafs*40) in the MERTK gene. It is expected to result in an absent or disrupted protein product. Loss-of-function variants in MERTK are known to be pathogenic (PMID: 24265693, 29659094). This variant is present in population databases (rs776644374, gnomAD 0.0009%). This premature translational stop signal has been observed in individual(s) with rod-cone dystrophy (PMID: 29659094). ClinVar contains an entry for this variant (Variation ID: 957448). Algorithms developed to predict the effect of sequence changes on RNA splicing suggest that this variant may disrupt the consensus splice site. For these reasons, this variant has been classified as Pathogenic.

Ocular Genomics Institute, Massachusetts Eye and Ear
Classification: Likely pathogenic for Retinitis pigmentosa 38. Last evaluated: 2021-04-08. Review status: criteria provided, single submitter. Criteria: ACMG Guidelines, 2015. Collection method: research. Allele origin: germline. Affected: yes.
Comment: Through a review of available evidence we were able to apply the following criteria: PVS1, PM2. Based on this evidence we have classified this variant as Likely Pathogenic.

Institute of Medical Genetics and Applied Genomics, University Hospital Tübingen
Classification: Pathogenic. Last evaluated: 2020-10-23. Review status: criteria provided, single submitter. Criteria: ACMG Guidelines, 2015. Collection method: clinical testing. Allele origin: germline. Inheritance: Unknown mechanism. Affected: yes.

Blueprint Genetics
Classification: Likely pathogenic for MERTK-related disorders. Last evaluated: 2017-06-18. Review status: criteria provided, single submitter. Criteria: ACMG Guidelines, 2015. Collection method: clinical testing. Allele origin: germline. Affected: yes. Observed: 1 variant allele.

Faculty of Health Sciences, Beirut Arab University
Classification: Pathogenic for Autosomal recessive Retinitis Pigmentosa. Last evaluated: 2018-05-23. Review status: no assertion criteria provided. Collection method: literature only. Allele origin: germline. Affected: yes. Observed: 2 variant alleles. Not counted in ClinVar's aggregate classification.

Literature cited by the submitters: PubMed 24265693 (cited by Labcorp Genetics (formerly Invitae), Labcorp); PubMed 29659094 (cited by 3 submitters).

NM_006343.3(MERTK):c.1301_1302del (p.Glu434fs)

Gene: MERTK (MER proto-oncogene, tyrosine kinase; plus strand). Cytogenetic location: 2q13.
Variant type: Microsatellite.
Coding change: c.1301_1302del on transcript NM_006343.3 (MANE Select); coding-DNA positions 1301 to 1302, 2 bases deleted (AG; older notation c.1301_1302delAG).
Protein change: p.Glu434fs; shifts the reading frame from glutamic acid 434.
Molecular consequence: frameshift variant.
Genome position (GRCh38, 1-based): chr2:111,994,255-111,994,256, AG deleted; deleting any 2 consecutive bases within chr2:111,994,253-111,994,256 gives the same sequence; the c. name uses the placement nearest the transcript's 3' end. VCF-style (leftmost placement, unchanged base first): chr2-111994252-AAG-A. GRCh37 (hg19) VCF-style: chr2-112751829-AAG-A.
Other names: short protein forms E434fs.
Identifiers: ClinVar variation 957448 (VCV000957448.13), dbSNP rs776644374, ClinGen allele CA1831350.